The following is an entry in ClinVar:

ClinVar aggregate classification (germline): Uncertain significance (1 of 4 stars; one submission).

Conditions:
Congenital factor V deficiency. Also called: Hereditary factor V deficiency disease; LABILE FACTOR DEFICIENCY; OWREN PARAHEMOPHILIA; PARAHEMOPHILIA. Identifiers: Orphanet 326, MedGen C0015499, MONDO:0009210, OMIM 227400.

gnomAD v4.1: 1 of 1,613,354 alleles (0.000062%); highest among the groups gnomAD compares: Non-Finnish European, 0.000085%; no homozygotes.

Submission:

Labcorp Genetics (formerly Invitae), Labcorp
Classification: Uncertain significance for Congenital factor V deficiency. Last evaluated: 2025-03-04. Review status: criteria provided, single submitter. Criteria: Invitae Variant Classification Sherloc (09022015). Collection method: clinical testing. Allele origin: germline.
Comment: This sequence change replaces tryptophan, which is neutral and slightly polar, with arginine, which is basic and polar, at codon 2208 of the F5 protein (p.Trp2208Arg). This variant is present in population databases (no rsID available, gnomAD 0.0009%). This variant has not been reported in the literature in individuals affected with F5-related conditions. Invitae Evidence Modeling of protein sequence and biophysical properties (such as structural, functional, and spatial information, amino acid conservation, physicochemical variation, residue mobility, and thermodynamic stability) indicates that this missense variant is expected to disrupt F5 protein function with a positive predictive value of 95%. In summary, the available evidence is currently insufficient to determine the role of this variant in disease. Therefore, it has been classified as a Variant of Uncertain Significance.

NM_000130.5(F5):c.6622T>C (p.Trp2208Arg)

Gene: F5 (coagulation factor V; minus strand). Cytogenetic location: 1q24.2.
Variant type: single nucleotide variant.
Coding change: c.6622T>C on transcript NM_000130.5 (MANE Select); coding-DNA position 6622, T replaced by C.
Protein change: p.Trp2208Arg; replaces tryptophan 2208 with arginine.
Molecular consequence: missense variant.
Genome position (GRCh38, 1-based): chr1:169,514,366, A>G on the plus strand (T>C on the coding strand, the complement: F5 is on the minus strand). VCF-style: chr1-169514366-A-G. GRCh37 (hg19) VCF-style: chr1-169483604-A-G.
Other names: short protein forms W2208R.
Identifiers: ClinVar variation 3687854 (VCV003687854.2).